The following is an entry in ClinVar:

ClinVar aggregate classification (germline): Uncertain significance (1 of 4 stars; one submission).

Conditions:
Spinocerebellar ataxia type 19/22 (SCA19). Also called: SPINOCEREBELLAR ATAXIA 19; SPINOCEREBELLAR ATAXIA 22. Identifiers: Orphanet 98772, MedGen C1846367, MONDO:0011819, OMIM 607346.

gnomAD v4.1: 1 of 1,614,214 alleles (0.000062%); highest among the groups gnomAD compares: East Asian, 0.0022%; no homozygotes.

Submission:

Labcorp Genetics (formerly Invitae), Labcorp
Classification: Uncertain significance for Spinocerebellar ataxia type 19/22. Last evaluated: 2024-01-24. Review status: criteria provided, single submitter. Criteria: Invitae Variant Classification Sherloc (09022015). Collection method: clinical testing. Allele origin: germline.
Comment: This sequence change replaces alanine, which is neutral and non-polar, with glutamic acid, which is acidic and polar, at codon 622 of the KCND3 protein (p.Ala622Glu). This variant is present in population databases (rs199663609, gnomAD 0.006%). This variant has not been reported in the literature in individuals affected with KCND3-related conditions. An algorithm developed to predict the effect of missense changes on protein structure and function (PolyPhen-2) suggests that this variant is likely to be disruptive. In summary, the available evidence is currently insufficient to determine the role of this variant in disease. Therefore, it has been classified as a Variant of Uncertain Significance.

NM_001378969.1(KCND3):c.1865C>A (p.Ala622Glu)

Gene: KCND3 (potassium voltage-gated channel subfamily D member 3; minus strand). Cytogenetic location: 1p13.2.
Variant type: single nucleotide variant.
Coding change: c.1865C>A on transcript NM_001378969.1 (MANE Select); coding-DNA position 1865, C replaced by A.
Protein change: p.Ala622Glu; replaces alanine 622 with glutamic acid.
Molecular consequence: missense variant.
Genome position (GRCh38, 1-based): chr1:111,776,180, G>T on the plus strand (C>A on the coding strand, the complement: KCND3 is on the minus strand). VCF-style: chr1-111776180-G-T. GRCh37 (hg19) VCF-style: chr1-112318802-G-T.
Other names: c.1808C>A, p.Ala603Glu (NM_001378970.1, NM_172198.3); c.1865C>A, p.Ala622Glu (NM_004980.5); short protein forms A603E, A622E.
Identifiers: ClinVar variation 2839245 (VCV002839245.3), dbSNP rs199663609, ClinGen allele CA1007331.
Genomic context (GRCh38, chr1:111,776,180, plus strand): 5'-ATGTTCGTGTTGGGGCCTGGGCTGGCAGGGGGTGGCCGACTTTCCCCCTCTGGGGTTAGC[G>T]CTGGGGGAGTGGGGATGCTGATGATGGCTGTGGTGATCTGGGATGTTTTGCAGTTTGGTC-3'
Protein context (NP_001365898.1, residues 612-632): TAIISIPTPP[Ala622Glu]LTPEGESRPP